The following is an entry in ClinVar:

ClinVar aggregate classification (germline): Pathogenic (1 of 4 stars; one submission).

Submission:

Labcorp Genetics (formerly Invitae), Labcorp
Classification: Pathogenic. Last evaluated: 2022-08-21. Review status: criteria provided, single submitter. Criteria: Invitae Variant Classification Sherloc (09022015). Collection method: clinical testing. Allele origin: germline.
Comment: This variant is not present in population databases (gnomAD no frequency). For these reasons, this variant has been classified as Pathogenic. This variant has not been reported in the literature in individuals affected with COL4A2-related conditions. This sequence change creates a premature translational stop signal (p.Gly515Argfs*44) in the COL4A2 gene. It is expected to result in an absent or disrupted protein product. Loss-of-function variants in COL4A2 are known to be pathogenic (PMID: 22333902, 30315939).

Literature cited by the submitters: PubMed 22333902; PubMed 30315939.

NM_001846.4(COL4A2):c.1542dup (p.Gly515fs)

Genes: COL4A2 (collagen type IV alpha 2 chain; plus strand), COL4A2-AS2 (COL4A2 antisense RNA 2; minus strand). Cytogenetic location: 13q34.
Variant type: Duplication.
Coding change: c.1542dup on transcript NM_001846.4 (MANE Select); coding-DNA position 1542, one base duplicated (A; older notation c.1542dupA).
Protein change: p.Gly515fs; shifts the reading frame from glycine 515.
Molecular consequence: frameshift variant.
Genome position (GRCh38, 1-based): chr13:110,458,880, A duplicated; the last of 3 consecutive A bases (chr13:110,458,878-110,458,880); duplicating any one gives the same sequence. VCF-style (leftmost placement, unchanged base first): chr13-110458877-G-GA. GRCh37 (hg19) VCF-style: chr13-111111224-G-GA.
Other names: short protein forms G515fs.
Identifiers: ClinVar variation 2015130 (VCV002015130.4), dbSNP rs2502113335, ClinGen allele CA2580087152.